The following is an entry in ClinVar:

NM_025114.4(CEP290):c.2551G>A (p.Val851Ile)

Gene: CEP290 (centrosomal protein 290; minus strand). Cytogenetic location: 12q21.32.
Variant type: single nucleotide variant.
Coding change: c.2551G>A on transcript NM_025114.4 (MANE Select); coding-DNA position 2551, G replaced by A.
Protein change: p.Val851Ile; replaces valine 851 with isoleucine.
Molecular consequence: missense variant.
Genome position (GRCh38, 1-based): chr12:88,107,031, C>T on the plus strand (G>A on the coding strand, the complement: CEP290 is on the minus strand). VCF-style: chr12-88107031-C-T. GRCh37 (hg19) VCF-style: chr12-88500808-C-T.
Other names: short protein forms V851I.
Identifiers: ClinVar variation 241583 (VCV000241583.22), dbSNP rs764963626, ClinGen allele CA6712316.

ClinVar aggregate classification (germline): Conflicting classifications of pathogenicity. Review status: criteria provided, conflicting classifications (1 of 4 stars). 10 submissions from 10 submitters: Uncertain significance (6); Likely benign (3). 1 of the submissions does not count toward it. Last evaluated 2026-05-05.

Conditions:
Leber congenital amaurosis 10 (LCA10). Identifiers: Orphanet 65, MedGen C1857821, MONDO:0012723, OMIM 611755.
Joubert syndrome 5 (JBTS5). Identifiers: Orphanet 2318, MedGen C1857780, MONDO:0012432, OMIM 610188.
Senior-Loken syndrome 6 (SLSN6). Identifiers: Orphanet 3156, MedGen C1857779, MONDO:0012433, OMIM 610189.
Meckel syndrome, type 4 (MKS4). Also called: MECKEL-GRUBER SYNDROME, TYPE 4. Identifiers: Orphanet 564, MedGen C1970161, MONDO:0012626, OMIM 611134.
Nephronophthisis. Also called: Juvenile Nephronophthisis. Identifiers: Orphanet 655, MedGen C0687120, MONDO:0019005, HP:0000090.
Meckel-Gruber syndrome. Also called: DYSENCEPHALIA SPLANCHNOCYSTICA; GRUBER SYNDROME; Dysencephalia splachnocystica. Identifiers: Orphanet 564, MedGen C0265215, MONDO:0018921.
Joubert syndrome. Also called: Familial aplasia of the vermis; JOUBERT-BOLTSHAUSER SYNDROME. Identifiers: Orphanet 475, MedGen C5979921, MONDO:0018772.
Inborn genetic diseases. Identifiers: MedGen C0950123, MeSH D030342.
CEP290-related disorder. Also called: CEP290-related condition; CEP290-related disorders. Identifiers: MedGen CN239314.
Bardet-Biedl syndrome 14 (BBS14). Identifiers: Orphanet 110, MedGen C2673874, MONDO:0014442, OMIM 615991.
Leber congenital amaurosis (LCA). Also called: Leber's amaurosis. Identifiers: Orphanet 65, MedGen C0339527, MeSH D057130, MONDO:0018998.

Allele frequency attached by ClinVar (database versions not stated): ExAC below 0.00001; gnomAD 0.00001; gnomAD exomes 0.00003 and 0.00010; TOPMed 0.00003.
gnomAD v4.1: 38 of 1,555,130 alleles (0.0024%); highest among the groups gnomAD compares: Admixed American, 0.054%; no homozygotes.

Submissions (10):

PreventionGenetics, part of Exact Sciences
Classification: Uncertain significance for CEP290-related condition. Last evaluated: 2026-05-05. Review status: criteria provided, single submitter. Criteria: ACMG Guidelines, 2015. Collection method: clinical testing. Allele origin: germline.
Comment: The CEP290 c.2551G>A variant is predicted to result in the amino acid substitution p.Val851Ile. To our knowledge, this variant has not been reported in the literature. This variant is reported in 0.075% of alleles in individuals of Latino descent in gnomAD, which may be too frequent to be an unreported primary cause of disease. Although we suspect that this variant may be benign, at this time, the clinical significance of this variant is uncertain due to the absence of conclusive functional and genetic evidence.

Labcorp Genetics (formerly Invitae), Labcorp
Classification: Uncertain significance for Joubert syndrome; Meckel-Gruber syndrome; Nephronophthisis. Last evaluated: 2025-01-29. Review status: criteria provided, single submitter. Criteria: Invitae Variant Classification Sherloc (09022015). Collection method: clinical testing. Allele origin: germline.
Comment: This sequence change replaces valine, which is neutral and non-polar, with isoleucine, which is neutral and non-polar, at codon 851 of the CEP290 protein (p.Val851Ile). This variant is present in population databases (rs764963626, gnomAD 0.07%). This variant has not been reported in the literature in individuals affected with CEP290-related conditions. ClinVar contains an entry for this variant (Variation ID: 241583). Invitae Evidence Modeling of protein sequence and biophysical properties (such as structural, functional, and spatial information, amino acid conservation, physicochemical variation, residue mobility, and thermodynamic stability) indicates that this missense variant is not expected to disrupt CEP290 protein function with a negative predictive value of 80%. In summary, the available evidence is currently insufficient to determine the role of this variant in disease. Therefore, it has been classified as a Variant of Uncertain Significance.

Daryl Scott Lab, Baylor College of Medicine
Classification: Uncertain significance for CEP290-related disorder. Last evaluated: 2024-01-01. Review status: criteria provided, single submitter. Criteria: ACMG Guidelines, 2015. Collection method: clinical testing. Allele origin: unknown. Observed: 1 compound heterozygote.
Comment: no criteria met

Genetic Services Laboratory, University of Chicago
Classification: Uncertain significance. Last evaluated: 2023-03-09. Review status: criteria provided, single submitter. Criteria: ACMG Guidelines, 2015. Collection method: clinical testing. Allele origin: germline. Affected: no.
Comment: DNA sequence analysis of the CEP290 gene demonstrated a sequence change, c.2551G>A, in exon 24 that results in an amino acid change, p.Val851Ile. This sequence change has been described in the gnomAD database with a frequency of 0.075% in the Latino subpopulation (dbSNP rs764963626). The p.Val851Ile change affects a poorly conserved amino acid residue located in a domain of the CEP290 protein that is not known to be functional. The p.Val851Ile substitution appears to be benign using several in-silico pathogenicity prediction tools (SIFT, PolyPhen2, Align GVGD, REVEL). This sequence change does not appear to have been previously described in individuals with CEP290-related disorders. Due to insufficient evidences and the lack of functional studies, the clinical significance of the p.Val851Ile change remains unknown at this time.

GeneDx
Classification: Likely benign. Last evaluated: 2022-08-10. Review status: criteria provided, single submitter. Criteria: GeneDx Variant Classification Process June 2021. Collection method: clinical testing. Allele origin: germline. Affected: yes.
Comment: See Variant Classification Assertion Criteria.

New York Genome Center
Classification: Uncertain significance for Leber congenital amaurosis 10; Senior-Loken syndrome 6; Meckel syndrome, type 4; Joubert syndrome 5. Last evaluated: 2022-05-06. Review status: criteria provided, single submitter. Criteria: NYGC Assertion Criteria 2020. Collection method: clinical testing. Allele origin: germline. Observed: 1 heterozygote.

Blueprint Genetics
Classification: Likely benign. Last evaluated: 2022-04-28. Review status: criteria provided, single submitter. Criteria: ACMG Guidelines, 2015. Collection method: clinical testing. Allele origin: germline.

Fulgent Genetics
Classification: Uncertain significance for Joubert syndrome 5; Senior-Loken syndrome 6; Meckel syndrome, type 4; Leber congenital amaurosis 10; Bardet-Biedl syndrome 14. Last evaluated: 2022-02-01. Review status: criteria provided, single submitter. Criteria: ACMG Guidelines, 2015. Collection method: clinical testing. Allele origin: unknown.

Ambry Genetics
Classification: Likely benign for Inborn genetic diseases. Last evaluated: 2021-06-22. Review status: criteria provided, single submitter. Criteria: Ambry Variant Classification Scheme 2023. Collection method: clinical testing. Allele origin: germline.

Natera, Inc.
Classification: Uncertain significance for Leber congenital amaurosis. Last evaluated: 2020-09-16. Review status: no assertion criteria provided. Collection method: clinical testing. Allele origin: germline. Not counted in ClinVar's aggregate classification.